The following is an entry in ClinVar:

ClinVar aggregate classification (germline): Uncertain significance (1 of 4 stars; one submission).

Allele frequency attached by ClinVar (database versions not stated): gnomAD exomes 0.00001.

Submission:

Labcorp Genetics (formerly Invitae), Labcorp
Classification: Uncertain significance. Last evaluated: 2022-08-31. Review status: criteria provided, single submitter. Criteria: Invitae Variant Classification Sherloc (09022015). Collection method: clinical testing. Allele origin: germline.
Comment: In summary, the available evidence is currently insufficient to determine the role of this variant in disease. Therefore, it has been classified as a Variant of Uncertain Significance. Algorithms developed to predict the effect of missense changes on protein structure and function output the following: SIFT: "Tolerated"; PolyPhen-2: "Benign"; Align-GVGD: "Class C0". The lysine amino acid residue is found in multiple mammalian species, which suggests that this missense change does not adversely affect protein function. This variant has not been reported in the literature in individuals affected with CUL7-related conditions. This variant is not present in population databases (gnomAD no frequency). This sequence change replaces glutamic acid, which is acidic and polar, with lysine, which is basic and polar, at codon 528 of the CUL7 protein (p.Glu528Lys).

NM_014780.5(CUL7):c.1582G>A (p.Glu528Lys)

Gene: CUL7 (cullin 7; minus strand). Cytogenetic location: 6p21.1.
Variant type: single nucleotide variant.
Coding change: c.1582G>A on transcript NM_014780.5 (MANE Select); coding-DNA position 1582, G replaced by A.
Protein change: p.Glu528Lys; replaces glutamic acid 528 with lysine.
Molecular consequence: missense variant.
Genome position (GRCh38, 1-based): chr6:43,049,650, C>T on the plus strand (G>A on the coding strand, the complement: CUL7 is on the minus strand). VCF-style: chr6-43049650-C-T. GRCh37 (hg19) VCF-style: chr6-43017388-C-T.
Other names: c.1678G>A, p.Glu560Lys (NM_001168370.2, NM_001374872.1); c.1582G>A, p.Glu528Lys (NM_001374873.1, NM_001374874.1); short protein forms E528K, E560K.
Identifiers: ClinVar variation 2186631 (VCV002186631.4), dbSNP rs2150331870, ClinGen allele CA364223135.